The following is an entry in ClinVar:

ClinVar aggregate classification (germline): Uncertain significance (1 of 4 stars; one submission).

Conditions:
Nemaline myopathy 6 (NEM6). Also called: Nemaline myopathy 6, autosomal dominant. Identifiers: Orphanet 171439, MedGen C1836472, MONDO:0012237, OMIM 609273.

Submission:

Labcorp Genetics (formerly Invitae), Labcorp
Classification: Uncertain significance for Nemaline myopathy 6. Last evaluated: 2022-08-16. Review status: criteria provided, single submitter. Criteria: Invitae Variant Classification Sherloc (09022015). Collection method: clinical testing. Allele origin: germline.
Comment: In summary, the available evidence is currently insufficient to determine the role of this variant in disease. Therefore, it has been classified as a Variant of Uncertain Significance. Algorithms developed to predict the effect of missense changes on protein structure and function are either unavailable or do not agree on the potential impact of this missense change (SIFT: "Deleterious"; PolyPhen-2: "Probably Damaging"; Align-GVGD: "Class C0"). ClinVar contains an entry for this variant (Variation ID: 1443976). This variant has not been reported in the literature in individuals affected with KBTBD13-related conditions. This variant is not present in population databases (gnomAD no frequency). This sequence change replaces serine, which is neutral and polar, with arginine, which is basic and polar, at codon 198 of the KBTBD13 protein (p.Ser198Arg).

NM_001101362.3(KBTBD13):c.594C>G (p.Ser198Arg)

Gene: KBTBD13 (kelch repeat and BTB domain containing 13; plus strand). Cytogenetic location: 15q22.31.
Variant type: single nucleotide variant.
Coding change: c.594C>G on transcript NM_001101362.3 (MANE Select); coding-DNA position 594, C replaced by G.
Protein change: p.Ser198Arg; replaces serine 198 with arginine.
Molecular consequence: missense variant.
Genome position (GRCh38, 1-based): chr15:65,077,409, C>G. VCF-style: chr15-65077409-C-G. GRCh37 (hg19) VCF-style: chr15-65369747-C-G.
Other names: short protein forms S198R.
Identifiers: ClinVar variation 1443976 (VCV001443976.6), dbSNP rs1365801743, ClinGen allele CA392861662.